The following is an entry in ClinVar:

NM_001378030.1(CCDC78):c.922_923delinsGA (p.Arg308Asp)

Gene: CCDC78 (coiled-coil domain containing 78; minus strand). Cytogenetic location: 16p13.3.
Variant type: Indel.
Coding change: c.922_923delinsGA on transcript NM_001378030.1 (MANE Select); coding-DNA positions 922 to 923, CG replaced by GA.
Protein change: p.Arg308Asp; replaces arginine 308 with aspartic acid.
Molecular consequence: missense variant. On other transcripts: non-coding transcript variant (5).
Genome position (GRCh38, 1-based): chr16:724,352-724,353, CG replaced by TC on the plus strand (CG replaced by GA on the coding strand, the reverse complement: CCDC78 is on the minus strand). VCF-style: chr16-724352-CG-TC. GRCh37 (hg19) VCF-style: chr16-774352-CG-TC.
Other names: c.922_923delinsGA, p.Arg308Asp (NM_001031737.3, NM_001378031.1); c.355_356delinsGA, p.Arg119Asp (NM_001378033.1); short protein forms R119D, R308D.
Identifiers: ClinVar variation 1714726 (VCV001714726.5), dbSNP rs2544000353, ClinGen allele CA2580090928.

ClinVar aggregate classification (germline): Uncertain significance (1 of 4 stars; one submission).

Conditions:
Congenital myopathy with internal nuclei and atypical cores. Also called: Myopathy, centronuclear, 4. Identifiers: Orphanet 319160, MedGen C4707232, MONDO:0013890, OMIM 614807.

Submission:

Labcorp Genetics (formerly Invitae), Labcorp
Classification: Uncertain significance for Congenital myopathy with internal nuclei and atypical cores. Last evaluated: 2022-08-17. Review status: criteria provided, single submitter. Criteria: Invitae Variant Classification Sherloc (09022015). Collection method: clinical testing. Allele origin: germline.
Comment: In summary, the available evidence is currently insufficient to determine the role of this variant in disease. Therefore, it has been classified as a Variant of Uncertain Significance. Algorithms developed to predict the effect of missense changes on protein structure and function are either unavailable or do not agree on the potential impact of this missense change (SIFT: "Not Available"; PolyPhen-2: "Possibly Damaging"; Align-GVGD: "Not Available"). This variant has not been reported in the literature in individuals affected with CCDC78-related conditions. Information on the frequency of this variant in the gnomAD database is not available, as this variant may be reported differently in the database. This sequence change replaces arginine, which is basic and polar, with aspartic acid, which is acidic and polar, at codon 308 of the CCDC78 protein (p.Arg308Asp).